The following is an entry in ClinVar:

ClinVar aggregate classification (germline): Uncertain significance. Review status: criteria provided, multiple submitters, no conflicts (2 of 4 stars). 2 submissions from 2 submitters: Uncertain significance (2). Last evaluated 2024-01-01.

Allele frequency attached by ClinVar (database versions not stated): gnomAD 0.00002; TOPMed 0.00002; gnomAD exomes 0.00005; ESP Exome Variant Server 0.00008.
gnomAD v4.1: 75 of 1,613,366 alleles (0.0046%); highest among the groups gnomAD compares: Non-Finnish European, 0.0059%; no homozygotes.

Submissions (2):

CeGaT Center for Human Genetics Tuebingen
Classification: Uncertain significance. Last evaluated: 2024-01-01. Review status: criteria provided, single submitter. Criteria: CeGaT Center For Human Genetics Tuebingen Variant Classification Criteria Version 2. Collection method: clinical testing. Allele origin: germline. Affected: yes. Observed: 1 variant allele.
Comment: PMFBP1: PM2

Ambry Genetics
Classification: Uncertain significance. Last evaluated: 2022-11-10. Review status: criteria provided, single submitter. Criteria: Ambry Variant Classification Scheme 2023. Collection method: clinical testing. Allele origin: germline.

NM_031293.3(PMFBP1):c.2740T>G (p.Tyr914Asp)

Gene: PMFBP1 (polyamine modulated factor 1 binding protein 1; minus strand). Cytogenetic location: 16q22.2.
Variant type: single nucleotide variant.
Coding change: c.2740T>G on transcript NM_031293.3 (MANE Select); coding-DNA position 2740, T replaced by G.
Protein change: p.Tyr914Asp; replaces tyrosine 914 with aspartic acid.
Molecular consequence: missense variant.
Genome position (GRCh38, 1-based): chr16:72,122,942, A>C on the plus strand (T>G on the coding strand, the complement: PMFBP1 is on the minus strand). VCF-style: chr16-72122942-A-C. GRCh37 (hg19) VCF-style: chr16-72156841-A-C.
Other names: c.2305T>G, p.Tyr769Asp (NM_001160213.2); short protein forms Y769D, Y914D.
Identifiers: ClinVar variation 2217819 (VCV002217819.24), dbSNP rs145734065, ClinGen allele CA283641208.
Genomic context (GRCh38, chr16:72,122,942, plus strand): 5'-GGAAGCAGCCAGGGTGGTTTAAGATGACTTACTCCTTTTCGCCACTCAGCTTGGCAATGT[A>C]TTTCACCTGCTCTCGGAGCTGGTTTCCTAGTTTCTCATTGGCGACCCTGTAATAAAATCA-3'
Protein context (NP_112583.2, residues 904-924): LGNQLREQVK[Tyr914Asp]IAKLSGEKDH